The following is an entry in ClinVar:

ClinVar aggregate classification (germline): Uncertain significance. Review status: criteria provided, multiple submitters, no conflicts (2 of 4 stars). 3 submissions from 3 submitters: Uncertain significance (3). Last evaluated 2024-10-24.

Conditions:
Isovaleryl-CoA dehydrogenase deficiency (IVA). Also called: Isovaleric acidemia; Classic Isovaleric Acidemia; ISOVALERIC ACID CoA DEHYDROGENASE DEFICIENCY; IVD DEFICIENCY. Identifiers: Orphanet 33, MedGen C0268575, MONDO:0009475, OMIM 243500.

gnomAD v4.1: 48 of 1,613,996 alleles (0.003%); highest among the groups gnomAD compares: Admixed American, 0.013%; no homozygotes.

Submissions (3):

Labcorp Genetics (formerly Invitae), Labcorp
Classification: Uncertain significance for Isovaleryl-CoA dehydrogenase deficiency. Last evaluated: 2024-10-24. Review status: criteria provided, single submitter. Criteria: Invitae Variant Classification Sherloc (09022015). Collection method: clinical testing. Allele origin: germline.
Comment: This sequence change replaces arginine, which is basic and polar, with cysteine, which is neutral and slightly polar, at codon 142 of the IVD protein (p.Arg142Cys). This variant is present in population databases (rs376324882, gnomAD 0.02%). This missense change has been observed in individual(s) with isovaleric acidemia (PMID: 31442447). In at least one individual the data is consistent with being in trans (on the opposite chromosome) from a pathogenic variant. ClinVar contains an entry for this variant (Variation ID: 1978035). An algorithm developed to predict the effect of missense changes on protein structure and function (PolyPhen-2) suggests that this variant¬†is likely to be tolerated. In summary, the available evidence is currently insufficient to determine the role of this variant in disease. Therefore, it has been classified as a Variant of Uncertain Significance.

Greenwood Genetic Center Diagnostic Laboratories, Greenwood Genetic Center
Classification: Uncertain significance. Last evaluated: 2024-08-20. Review status: criteria provided, single submitter. Criteria: ACMG Guidelines, 2015. Collection method: clinical testing. Allele origin: germline. Affected: yes.
Comment: PM2, PM3, PP3

Department of Pathology and Laboratory Medicine, Sinai Health System
Classification: Uncertain significance for Isovaleryl-CoA dehydrogenase deficiency. Last evaluated: 2023-06-21. Review status: criteria provided, single submitter. Criteria: ACMG Guidelines, 2015. Collection method: research. Allele origin: germline.

Literature cited by the submitters: PubMed 31442447 (cited by Labcorp Genetics (formerly Invitae), Labcorp).

NM_002225.5(IVD):c.415C>T (p.Arg139Cys)

Gene: IVD (isovaleryl-CoA dehydrogenase; plus strand). Cytogenetic location: 15q15.1.
Variant type: single nucleotide variant.
Coding change: c.415C>T on transcript NM_002225.5 (MANE Select); coding-DNA position 415, C replaced by T.
Protein change: p.Arg139Cys; replaces arginine 139 with cysteine.
Molecular consequence: missense variant. On other transcripts: non-coding transcript variant (1).
Genome position (GRCh38, 1-based): chr15:40,410,756, C>T. VCF-style: chr15-40410756-C-T. GRCh37 (hg19) VCF-style: chr15-40702955-C-T.
Other names: c.325C>T, p.Arg109Cys (NM_001159508.3); c.367C>T, p.Arg123Cys (NM_001354597.3); c.415C>T, p.Arg139Cys (NM_001354598.3, NM_001354601.3); c.502C>T, p.Arg168Cys (NM_001354599.3, NM_001354600.3); short protein forms R123C, R139C, R109C, R168C.
Identifiers: ClinVar variation 1978035 (VCV001978035.6), dbSNP rs376324882, ClinGen allele CA312663.